The following is an entry in ClinVar:

NM_017654.4(SAMD9):c.3786T>G (p.Phe1262Leu)

Gene: SAMD9 (sterile alpha motif domain containing 9; minus strand). Cytogenetic location: 7q21.2.
Variant type: single nucleotide variant.
Coding change: c.3786T>G on transcript NM_017654.4 (MANE Select); coding-DNA position 3786, T replaced by G.
Protein change: p.Phe1262Leu; replaces phenylalanine 1262 with leucine.
Molecular consequence: missense variant.
Genome position (GRCh38, 1-based): chr7:93,102,312, A>C on the plus strand (T>G on the coding strand, the complement: SAMD9 is on the minus strand). VCF-style: chr7-93102312-A-C. GRCh37 (hg19) VCF-style: chr7-92731625-A-C.
Other names: c.3786T>G, p.Phe1262Leu (NM_001193307.2); short protein forms F1262L.
Identifiers: ClinVar variation 3770057 (VCV003770057.2).

ClinVar aggregate classification (germline): Uncertain significance. Review status: criteria provided, multiple submitters, no conflicts (2 of 4 stars). 2 submissions from 2 submitters: Uncertain significance (2). Last evaluated 2025-04-04.

Conditions:
Inborn genetic diseases. Identifiers: MedGen C0950123, MeSH D030342.

Submissions (2):

Ambry Genetics
Classification: Uncertain significance for Inborn genetic diseases. Last evaluated: 2025-04-04. Review status: criteria provided, single submitter. Criteria: Ambry Variant Classification Scheme 2023. Collection method: clinical testing. Allele origin: germline.
Comment: The p.F1262L variant (also known as c.3786T>G), located in coding exon 1 of the SAMD9 gene, results from a T to G substitution at nucleotide position 3786. The phenylalanine at codon 1262 is replaced by leucine, an amino acid with highly similar properties. This amino acid position is conserved. In addition, this alteration is predicted to be tolerated by in silico analysis. Based on the available evidence, the clinical significance of this variant remains unclear.

GeneDx
Classification: Uncertain significance. Last evaluated: 2024-09-11. Review status: criteria provided, single submitter. Criteria: GeneDx Variant Classification Process June 2021. Collection method: clinical testing. Allele origin: germline. Affected: yes.
Comment: Not observed at significant frequency in large population cohorts (gnomAD); In silico analysis indicates that this missense variant does not alter protein structure/function; Has not been previously published as pathogenic or benign to our knowledge